The following is an entry in ClinVar:

ClinVar aggregate classification (germline): Uncertain significance (1 of 4 stars; one submission).

Conditions:
Heterotopia, periventricular, X-linked dominant (PVNH1). Also called: PERIVENTRICULAR NODULAR HETEROTOPIA 1; PERIVENTRICULAR NODULAR HETEROTOPIA 4; HETEROTOPIA, PERIVENTRICULAR, 1; X-linked periventricular heterotopia. Identifiers: Orphanet 2149, Orphanet 82004, MedGen C1848213, MONDO:0010233, OMIM 300049.
Melnick-Needles syndrome (MNS). Also called: Melnick-Needles Syndrome (FLNA-MNS); MELNICK-NEEDLES OSTEODYSPLASTY; OSTEODYSPLASTY OF MELNICK AND NEEDLES. Identifiers: Orphanet 2484, MedGen C0025237, MONDO:0010650, OMIM 309350.
Oto-palato-digital syndrome, type II (OPD2). Also called: Otopalatodigital Syndrome Type 2 (FLNA-OPD2); FACIOPALATOOSSEOUS SYNDROME; OPD II SYNDROME; Otopalatodigital Syndrome, Type II. Identifiers: Orphanet 669, Orphanet 90652, MedGen C1844696, MONDO:0010571, OMIM 304120.
Frontometaphyseal dysplasia (FMD1). Identifiers: Orphanet 1826, MedGen C0265293, MONDO:0015942.

Allele frequency attached by ClinVar (database versions not stated): TOPMed 0.00001.
gnomAD v4.1: 1 of 1,210,845 alleles (0.000083%); highest among the groups gnomAD compares: Non-Finnish European, 0.00011%; no homozygotes.

Submission:

Labcorp Genetics (formerly Invitae), Labcorp
Classification: Uncertain significance for Oto-palato-digital syndrome, type II; Heterotopia, periventricular, X-linked dominant; Frontometaphyseal dysplasia; Melnick-Needles syndrome. Last evaluated: 2025-12-14. Review status: criteria provided, single submitter. Criteria: Invitae Variant Classification Sherloc (09022015). Collection method: clinical testing. Allele origin: germline.
Comment: This sequence change replaces valine, which is neutral and non-polar, with phenylalanine, which is neutral and non-polar, at codon 418 of the FLNA protein (p.Val418Phe). This variant is not present in population databases (gnomAD no frequency). This variant has not been reported in the literature in individuals affected with FLNA-related conditions. ClinVar contains an entry for this variant (Variation ID: 1939364). Invitae Evidence Modeling of protein sequence and biophysical properties (such as structural, functional, and spatial information, amino acid conservation, physicochemical variation, residue mobility, and thermodynamic stability) indicates that this missense variant is not expected to disrupt FLNA protein function with a negative predictive value of 95%. In summary, the available evidence is currently insufficient to determine the role of this variant in disease. Therefore, it has been classified as a Variant of Uncertain Significance.

NM_001110556.2(FLNA):c.1252G>T (p.Val418Phe)

Gene: FLNA (filamin A; minus strand). Cytogenetic location: Xq28.
Variant type: single nucleotide variant.
Coding change: c.1252G>T on transcript NM_001110556.2 (MANE Select); coding-DNA position 1252, G replaced by T.
Protein change: p.Val418Phe; replaces valine 418 with phenylalanine.
Molecular consequence: missense variant.
Genome position (GRCh38, 1-based): chrX:154,366,201, C>A on the plus strand (G>T on the coding strand, the complement: FLNA is on the minus strand). VCF-style: chrX-154366201-C-A. GRCh37 (hg19) VCF-style: chrX-153594569-C-A.
Other names: c.1252G>T, p.Val418Phe (NM_001456.4); short protein forms V418F.
Identifiers: ClinVar variation 1939364 (VCV001939364.5), dbSNP rs1053199573, ClinGen allele CA337283558.